The following is an entry in ClinVar:

NM_018972.4(GDAP1):c.919A>G (p.Thr307Ala)

Gene: GDAP1 (ganglioside induced differentiation associated protein 1; plus strand). Cytogenetic location: 8q21.11.
Variant type: single nucleotide variant.
Coding change: c.919A>G on transcript NM_018972.4 (MANE Select); coding-DNA position 919, A replaced by G.
Protein change: p.Thr307Ala; replaces threonine 307 with alanine.
Molecular consequence: missense variant. On other transcripts: intron variant (1).
Genome position (GRCh38, 1-based): chr8:74,364,209, A>G. VCF-style: chr8-74364209-A-G. GRCh37 (hg19) VCF-style: chr8-75276444-A-G.
Other names: c.715A>G, p.Thr239Ala (NM_001040875.4); c.592A>G, p.Thr198Ala (NM_001362929.2, NM_001362932.2); c.745A>G, p.Thr249Ala (NM_001362930.2); c.694+1156A>G (NM_001362931.2); short protein forms T239A, T198A, T307A, T249A.
Identifiers: ClinVar variation 695008 (VCV000695008.7), dbSNP rs1356175561, ClinGen allele CA371550541.
Genomic context (GRCh38, chr8:74,364,209, plus strand): 5'-AAAACATTTAACAAGGTTTTAGGACATGTCAACAATATATTAATCTCTGCAGTGCTGCCA[A>G]CAGCATTCCGGGTGGCCAAGAAAAGGGCCCCAAAAGTTCTTGGCACGACCCTTGTGGTTG-3'
Protein context (NP_061845.2, residues 297-317): NNILISAVLP[Thr307Ala]AFRVAKKRAP

ClinVar aggregate classification (germline): Uncertain significance. Review status: criteria provided, multiple submitters, no conflicts (2 of 4 stars). 4 submissions from 4 submitters: Uncertain significance (3). 1 of the submissions does not count toward it. Last evaluated 2025-11-28.

Conditions:
Charcot-Marie-Tooth disease. Also called: Charcot-Marie-Tooth Hereditary Neuropathy; Charcot-Marie-Tooth Neuropathy. Identifiers: Orphanet 166, MedGen C0007959, MONDO:0015626.
Charcot-Marie-Tooth disease type 4A. Also called: Charcot-Marie-Tooth disease, demyelinating, autosomal recessive, type 4a. Identifiers: Orphanet 99948, MedGen C1859198, MONDO:0008961, OMIM 214400.

Allele frequency attached by ClinVar (database versions not stated): gnomAD exomes below 0.00001; gnomAD 0.00001; TOPMed 0.00002.

Submissions (4):

Women's Health and Genetics/Laboratory Corporation of America, LabCorp
Classification: Uncertain significance. Last evaluated: 2025-11-28. Review status: criteria provided, single submitter. Criteria: LabCorp Variant Classification Summary - May 2015. Collection method: clinical testing. Allele origin: germline.
Comment: Variant summary: GDAP1 c.919A>G (p.Thr307Ala) results in a non-conservative amino acid change in the encoded protein sequence. Algorithms developed to predict the effect of missense changes on protein structure and function all suggest that this variant is likely to be disruptive. The variant allele was found at a frequency of 4e-06 in 251454 control chromosomes. The available data on variant occurrences in the general population are insufficient to allow any conclusion about variant significance. To our knowledge, no occurrence of c.919A>G in individuals affected with GDAP1-related conditions and no experimental evidence demonstrating its impact on protein function have been reported. ClinVar contains an entry for this variant (Variation ID: 695008). Based on the evidence outlined above, the variant was classified as uncertain significance.

Labcorp Genetics (formerly Invitae), Labcorp
Classification: Uncertain significance for Charcot-Marie-Tooth disease type 4A. Last evaluated: 2024-09-17. Review status: criteria provided, single submitter. Criteria: Invitae Variant Classification Sherloc (09022015). Collection method: clinical testing. Allele origin: germline.
Comment: This sequence change replaces threonine, which is neutral and polar, with alanine, which is neutral and non-polar, at codon 307 of the GDAP1 protein (p.Thr307Ala). This variant is present in population databases (no rsID available, gnomAD 0.003%). This variant has not been reported in the literature in individuals affected with GDAP1-related conditions. ClinVar contains an entry for this variant (Variation ID: 695008). An algorithm developed to predict the effect of missense changes on protein structure and function (PolyPhen-2) suggests that this variant is likely to be tolerated. In summary, the available evidence is currently insufficient to determine the role of this variant in disease. Therefore, it has been classified as a Variant of Uncertain Significance.

Blueprint Genetics
Classification: Uncertain significance. Last evaluated: 2023-11-13. Review status: criteria provided, single submitter. Criteria: ACMG Guidelines, 2015. Collection method: clinical testing. Allele origin: germline.

Genesis Genome Database
Classification: Uncertain significance for Charcot-Marie-Tooth disease. Last evaluated: 2019-08-14. Review status: no assertion criteria provided. Collection method: research. Allele origin: germline. Affected: yes. Not counted in ClinVar's aggregate classification.